The following is an entry in ClinVar:

ClinVar aggregate classification (germline): Uncertain significance (1 of 4 stars; one submission).

Conditions:
Dyskeratosis congenita, autosomal dominant 6 (DKCA6). Identifiers: Orphanet 3322, MedGen C4225284, MONDO:0014690, OMIM 616553.

Submission:

Labcorp Genetics (formerly Invitae), Labcorp
Classification: Uncertain significance for Dyskeratosis congenita, autosomal dominant 6. Last evaluated: 2023-07-28. Review status: criteria provided, single submitter. Criteria: Invitae Variant Classification Sherloc (09022015). Collection method: clinical testing. Allele origin: unknown.
Comment: In summary, the available evidence is currently insufficient to determine the role of this variant in disease. Therefore, it has been classified as a Variant of Uncertain Significance. Experimental studies and prediction algorithms are not available or were not evaluated, and the functional significance of this variant is currently unknown. This variant has not been reported in the literature in individuals affected with ACD-related conditions. This variant is a gross deletion of the genomic region encompassing exon(s) 1-9 of the ACD gene, which includes the initiator codon. This deletion extends beyond the assayed region for this gene and therefore may encompass additional genes. It is expected to result in an absent or disrupted protein product. However, the current clinical and genetic evidence is not sufficient to establish whether loss-of-function variants in ACD cause disease.

NC_000016.9:g.(?_67692438)_(67694381_?)del

Gene: ACD (ACD shelterin complex subunit and telomerase recruitment factor; minus strand). Cytogenetic location: 16q22.1.
Variant type: Deletion.
Identifiers: ClinVar variation 3243536 (VCV003243536.1).